The following is an entry in ClinVar:

NM_001715.3(BLK):c.-190C>T

Genes: BLK (BLK proto-oncogene, Src family tyrosine kinase), LOC126860302 (CDK7 strongly-dependent group 2 enhancer GRCh37_chr8:11351829-11353028). Cytogenetic location: 8p23.1.
Variant type: single nucleotide variant.
Coding change: c.-190C>T on transcript NM_001715.3 (MANE Select); 190 bases upstream of the start codon, C replaced by T.
Molecular consequence: 5 prime UTR variant.
Genome position (GRCh38, 1-based): chr8:11,494,403, C>T. VCF-style: chr8-11494403-C-T. GRCh37 (hg19) VCF-style: chr8-11351912-C-T.
Other names: c.-279C>T (NM_001330465.2).
Identifiers: ClinVar variation 361468 (VCV000361468.6), dbSNP rs922483, ClinGen allele CA10629932.

ClinVar aggregate classification (germline): Benign. Review status: criteria provided, multiple submitters, no conflicts (2 of 4 stars). 2 submissions from 2 submitters: Benign (2). Last evaluated 2018-01-12.

Conditions:
Maturity-onset diabetes of the young type 11. Identifiers: Orphanet 552, MedGen C3150618, MONDO:0013242, OMIM 613375.

Allele frequency attached by ClinVar (database versions not stated): gnomAD exomes 0.25806; gnomAD 0.31162 and 0.32147; TOPMed 0.33894; 1000 Genomes Project 30x 0.41864; 1000 Genomes Project 0.42572.
gnomAD v4.1: 48,922 of 152,170 alleles (32%); highest among the groups gnomAD compares: East Asian, 72%; 8,898 homozygotes.

Submissions (2):

Illumina Laboratory Services, Illumina
Classification: Benign for Maturity-onset diabetes of the young type 11. Last evaluated: 2018-01-12. Review status: criteria provided, single submitter. Criteria: ICSL Variant Classification Criteria 13 December 2019. Collection method: clinical testing. Allele origin: germline.
Comment: This variant was observed in the ICSL laboratory as part of a predisposition screen in an ostensibly healthy population. It had not been previously curated by ICSL or reported in the Human Gene Mutation Database (HGMD: prior to June 1st, 2018), and was therefore a candidate for classification through an automated scoring system. Utilizing variant allele frequency, disease prevalence and penetrance estimates, and inheritance mode, an automated score was calculated to assess if this variant is too frequent to cause the disease. Based on the score and internal cut-off values, a variant classified as benign is not then subjected to further curation. The score for this variant resulted in a classification of benign for this disease.

Breakthrough Genomics
Classification: Benign. Review status: criteria provided, single submitter. Criteria: ACMG Guidelines, 2015. Collection method: not provided. Allele origin: germline. Inheritance: Autosomal dominant inheritance. Affected: yes.